The following is an entry in ClinVar:

ClinVar aggregate classification (germline): Uncertain significance. Review status: criteria provided, multiple submitters, no conflicts (2 of 4 stars). 3 submissions from 3 submitters: Uncertain significance (3). Last evaluated 2026-06-20.

Conditions:
USH2A-related disorder. Also called: USH2A-related condition; USH2A-related disorders. Identifiers: MedGen CN239332.
Inborn genetic diseases. Identifiers: MedGen C0950123, MeSH D030342.

Allele frequency attached by ClinVar (database versions not stated): ExAC 0.00001; gnomAD exomes 0.00001.
gnomAD v4.1: 4 of 1,613,986 alleles (0.00025%); highest among the groups gnomAD compares: Admixed American, 0.0067%; no homozygotes.

Submissions (3):

PreventionGenetics, part of Exact Sciences
Classification: Uncertain significance for USH2A-related condition. Last evaluated: 2026-06-20. Review status: criteria provided, single submitter. Criteria: ACMG Guidelines, 2015. Collection method: clinical testing. Allele origin: germline.
Comment: The USH2A c.7622T>C variant is predicted to result in the amino acid substitution p.Leu2541Pro. To our knowledge, this variant has not been reported in the literature. This variant is reported in 0.012% of alleles in individuals of Latino descent in gnomAD. At this time, the clinical significance of this variant is uncertain due to the absence of conclusive functional and genetic evidence.

Ambry Genetics
Classification: Uncertain significance for Inborn genetic diseases. Last evaluated: 2025-08-04. Review status: criteria provided, single submitter. Criteria: Ambry Variant Classification Scheme 2023. Collection method: clinical testing. Allele origin: germline.

Labcorp Genetics (formerly Invitae), Labcorp
Classification: Uncertain significance. Last evaluated: 2022-04-24. Review status: criteria provided, single submitter. Criteria: Invitae Variant Classification Sherloc (09022015). Collection method: clinical testing. Allele origin: germline.
Comment: This sequence change replaces leucine, which is neutral and non-polar, with proline, which is neutral and non-polar, at codon 2541 of the USH2A protein (p.Leu2541Pro). This variant is present in population databases (rs771784918, gnomAD 0.01%). This variant has not been reported in the literature in individuals affected with USH2A-related conditions. Algorithms developed to predict the effect of missense changes on protein structure and function are either unavailable or do not agree on the potential impact of this missense change (SIFT: "Deleterious"; PolyPhen-2: "Benign"; Align-GVGD: "Class C65"). In summary, the available evidence is currently insufficient to determine the role of this variant in disease. Therefore, it has been classified as a Variant of Uncertain Significance.

NM_206933.4(USH2A):c.7622T>C (p.Leu2541Pro)

Gene: USH2A (usherin; minus strand). Cytogenetic location: 1q41.
Variant type: single nucleotide variant.
Coding change: c.7622T>C on transcript NM_206933.4 (MANE Select); coding-DNA position 7622, T replaced by C.
Protein change: p.Leu2541Pro; replaces leucine 2541 with proline.
Molecular consequence: missense variant.
Genome position (GRCh38, 1-based): chr1:215,889,027, A>G on the plus strand (T>C on the coding strand, the complement: USH2A is on the minus strand). VCF-style: chr1-215889027-A-G. GRCh37 (hg19) VCF-style: chr1-216062369-A-G.
Other names: c.7622T>C (NM_206933.2); short protein forms L2541P.
Identifiers: ClinVar variation 2074875 (VCV002074875.3), dbSNP rs771784918, ClinGen allele CA1394772.